The following is an entry in ClinVar:

NM_001351537.2(SLC38A11):c.1179C>T (p.Ser393=)

Gene: SLC38A11 (solute carrier family 38 member 11; minus strand). Cytogenetic location: 2q24.3.
Variant type: single nucleotide variant.
Coding change: c.1179C>T on transcript NM_001351537.2 (MANE Select); coding-DNA position 1179, C replaced by T.
Protein change: p.Ser393=; no amino-acid change (serine 393 retained).
Molecular consequence: synonymous variant.
Genome position (GRCh38, 1-based): chr2:164,898,647, G>A on the plus strand (C>T on the coding strand, the complement: SLC38A11 is on the minus strand). VCF-style: chr2-164898647-G-A. GRCh37 (hg19) VCF-style: chr2-165755157-G-A.
Other names: c.1011C>T, p.Ser337= (NM_001199148.2, NM_001351538.2); c.813C>T, p.Ser271= (NM_001351539.2); c.594C>T, p.Ser198= (NM_001351540.2); c.945C>T, p.Ser315= (NM_173512.3).
Identifiers: ClinVar variation 4535060 (VCV004535060.6).

ClinVar aggregate classification (germline): Likely benign (1 of 4 stars; one submission).

gnomAD v4.1: 6 of 1,613,446 alleles (0.00037%); highest among the groups gnomAD compares: South Asian, 0.0033%; no homozygotes.

Submission:

CeGaT Center for Human Genetics Tuebingen
Classification: Likely benign. Last evaluated: 2025-10-01. Review status: criteria provided, single submitter. Criteria: CeGaT Center For Human Genetics Tuebingen Variant Classification Criteria Version 2. Collection method: clinical testing. Allele origin: germline. Affected: yes. Observed: 1 variant allele.
Comment: SLC38A11: BP4, BP7